The following is an entry in ClinVar:

ClinVar aggregate classification (germline): Uncertain significance (1 of 4 stars; one submission).

Conditions:
Hereditary breast ovarian cancer syndrome. Also called: Hereditary breast and ovarian cancer syndrome; Hereditary breast and ovarian cancer syndrome (HBOC); BRCA1- and BRCA2-Associated Hereditary Breast and Ovarian Cancer; Hereditary breast and ovarian cancer; Breast and ovarian cancer; Hereditary breast and/or ovarian cancer syndrome. Identifiers: Orphanet 145, MedGen C0677776, MeSH D061325, MONDO:0003582. Disease mechanism: loss of function.

Submission:

Labcorp Genetics (formerly Invitae), Labcorp
Classification: Uncertain significance for Hereditary breast ovarian cancer syndrome. Last evaluated: 2024-02-22. Review status: criteria provided, single submitter. Criteria: Invitae Variant Classification Sherloc (09022015). Collection method: clinical testing. Allele origin: germline.
Comment: This sequence change replaces glutamic acid, which is acidic and polar, with glutamine, which is neutral and polar, at codon 540 of the BRCA1 protein (p.Glu540Gln). This variant is not present in population databases (gnomAD no frequency). This variant has not been reported in the literature in individuals affected with BRCA1-related conditions. Advanced modeling of protein sequence and biophysical properties (such as structural, functional, and spatial information, amino acid conservation, physicochemical variation, residue mobility, and thermodynamic stability) performed at Invitae indicates that this missense variant is not expected to disrupt BRCA1 protein function with a negative predictive value of 95%. In summary, the available evidence is currently insufficient to determine the role of this variant in disease. Therefore, it has been classified as a Variant of Uncertain Significance.

NM_007294.4(BRCA1):c.1618G>C (p.Glu540Gln)

Gene: BRCA1 (BRCA1 DNA repair associated; minus strand). Cytogenetic location: 17q21.31.
Variant type: single nucleotide variant.
Coding change: c.1618G>C on transcript NM_007294.4 (MANE Select); coding-DNA position 1618, G replaced by C.
Protein change: p.Glu540Gln; replaces glutamic acid 540 with glutamine.
Molecular consequence: missense variant. On other transcripts: intron variant (137).
Genome position (GRCh38, 1-based): chr17:43,093,913, C>G on the plus strand (G>C on the coding strand, the complement: BRCA1 is on the minus strand). VCF-style: chr17-43093913-C-G. GRCh37 (hg19) VCF-style: chr17-41245930-C-G.
Other names: c.670+1933G>C (NM_001408418.1, NM_001408423.1, NM_001408420.1 and 2 more transcripts); c.787+831G>C (NM_001407981.1, NM_007298.4, NM_001407978.1 and 19 more transcripts); c.643+831G>C (NM_001408462.1, NM_001408464.1, NM_001408470.1 and 3 more transcripts); c.709+831G>C (NM_001408414.1, NM_001408411.1, NM_001408412.1 and 2 more transcripts); c.577+831G>C (NM_001408514.1, NM_001408485.1, NM_001408481.1 and 9 more transcripts); c.661+831G>C (NM_001408447.1, NM_001408433.1, NM_001408446.1 and 6 more transcripts); c.784+831G>C (NM_001408400.1, NM_001408392.1, NM_001407986.1 and 13 more transcripts); c.1414G>C, p.Glu472Gln (NM_001407874.1, NM_001407875.1); and 40 more; short protein forms E493Q, E413Q, E428Q, E451Q, E473Q, E513Q, E514Q, E540Q.
Identifiers: ClinVar variation 3634688 (VCV003634688.2).
Genomic context (GRCh38, chr17:43,093,913, plus strand): 5'-CACCTTTTGTTTTATTCTCATGACCACTATTAGTAATATTCATCACTTGACCATTCTGCT[C>G]CGTTTGGTTAGTTCCCTGATTTATCATTTCAGGAGTCTTTTGAACTGCCAAATCTGCTTT-3'
Protein context (NP_009225.1, residues 530-550): EMINQGTNQT[Glu540Gln]QNGQVMNITN